The following is an entry in ClinVar:

ClinVar aggregate classification (germline): not provided (0 of 4 stars; one submission).

Submission:

Immune regulation group, Newcastle University
No classification provided. Review status: no classification provided. Collection method: phenotyping only. Allele origin: germline. Observed: 1 variant allele, 1 homozygote.
Comment: The effect of the CTLA4 variant c.*54T>G in the 3'UTR is unknown. In CENTOGENE database, this variant has been detected in homozygous state in nine affected patients. This variant has been detected in heterozygous state in twelve individuals in the CENTOGENE database, who do not display an overlapping phenotype. This variant has not been reported in the literature or disease databases. It is classified as variant of uncertain significance (class 3) according to the recommendations of CENTOGENE and ACMG (please, see additional information below). A homozygous structural variant within the 3'UTR of the CTLA4 gene, consisting of an (AT)n dinucleotide repeat, has been described in association with autoimmune diabetes (PMID: 26656450).

NM_005214.5(CTLA4):c.*54T>G

Gene: CTLA4 (cytotoxic T-lymphocyte associated protein 4; plus strand). Cytogenetic location: 2q33.2.
Variant type: single nucleotide variant.
Coding change: c.*54T>G on transcript NM_005214.5 (MANE Select); 54 bases downstream of the stop codon, T replaced by G.
Molecular consequence: 3 prime UTR variant.
Genome position (GRCh38, 1-based): chr2:203,872,866, T>G. VCF-style: chr2-203872866-T-G. GRCh37 (hg19) VCF-style: chr2-204737589-T-G.
Other names: c.*91T>G (NM_001037631.3).
Identifiers: ClinVar variation 4857593 (VCV004857593.1).